The following is an entry in ClinVar:

ClinVar aggregate classification (germline): Uncertain significance (1 of 4 stars; one submission).

gnomAD v4.1: 22 of 1,613,824 alleles (0.0014%); highest among the groups gnomAD compares: Non-Finnish European, 0.0017%; no homozygotes.

Submission:

CeGaT Center for Human Genetics Tuebingen
Classification: Uncertain significance. Last evaluated: 2024-11-01. Review status: criteria provided, single submitter. Criteria: CeGaT Center For Human Genetics Tuebingen Variant Classification Criteria Version 2. Collection method: clinical testing. Allele origin: germline. Affected: yes. Observed: 1 variant allele.
Comment: ALOXE3: PM2

NM_021628.3(ALOXE3):c.987G>T (p.Trp329Cys)

Gene: ALOXE3 (arachidonate epidermal lipoxygenase 3; minus strand). Cytogenetic location: 17p13.1.
Variant type: single nucleotide variant.
Coding change: c.987G>T on transcript NM_021628.3 (MANE Select); coding-DNA position 987, G replaced by T.
Protein change: p.Trp329Cys; replaces tryptophan 329 with cysteine.
Molecular consequence: missense variant.
Genome position (GRCh38, 1-based): chr17:8,110,499, C>A on the plus strand (G>T on the coding strand, the complement: ALOXE3 is on the minus strand). VCF-style: chr17-8110499-C-A. GRCh37 (hg19) VCF-style: chr17-8013817-C-A.
Other names: c.1383G>T, p.Trp461Cys (NM_001165960.1); c.984G>T, p.Trp328Cys (NM_001369446.1); short protein forms W328C, W329C, W461C.
Identifiers: ClinVar variation 3389223 (VCV003389223.14).